The following is an entry in ClinVar:

ClinVar aggregate classification (germline): Uncertain significance. Review status: criteria provided, multiple submitters, no conflicts (2 of 4 stars). 2 submissions from 2 submitters: Uncertain significance (2). Last evaluated 2025-09-11.

Conditions:
Inborn genetic diseases. Identifiers: MedGen C0950123, MeSH D030342.
Infantile neuroaxonal dystrophy (NBIA2A). Also called: NEURODEGENERATION WITH BRAIN IRON ACCUMULATION 2A; SEITELBERGER DISEASE; Infantile neuroaxonal dystrophy 1. Identifiers: Orphanet 35069, MedGen C0270724, MONDO:0024457, OMIM 256600.

Allele frequency attached by ClinVar (database versions not stated): ESP Exome Variant Server 0.00015; gnomAD exomes 0.00002; ExAC 0.00008; gnomAD 0.00004; TOPMed 0.00004.

Submissions (2):

Labcorp Genetics (formerly Invitae), Labcorp
Classification: Uncertain significance for Infantile neuroaxonal dystrophy. Last evaluated: 2025-09-11. Review status: criteria provided, single submitter. Criteria: Invitae Variant Classification Sherloc (09022015). Collection method: clinical testing. Allele origin: germline.
Comment: This sequence change replaces arginine, which is basic and polar, with glutamine, which is neutral and polar, at codon 306 of the PLA2G6 protein (p.Arg306Gln). The frequency data for this variant in the population databases is considered unreliable, as metrics indicate poor data quality at this position in the gnomAD database. This variant has not been reported in the literature in individuals affected with PLA2G6-related conditions. ClinVar contains an entry for this variant (Variation ID: 1955437). Invitae Evidence Modeling of protein sequence and biophysical properties (such as structural, functional, and spatial information, amino acid conservation, physicochemical variation, residue mobility, and thermodynamic stability) indicates that this missense variant is not expected to disrupt PLA2G6 protein function with a negative predictive value of 80%. In summary, the available evidence is currently insufficient to determine the role of this variant in disease. Therefore, it has been classified as a Variant of Uncertain Significance.

Ambry Genetics
Classification: Uncertain significance for Inborn genetic diseases. Last evaluated: 2024-03-25. Review status: criteria provided, single submitter. Criteria: Ambry Variant Classification Scheme 2023. Collection method: clinical testing. Allele origin: germline.

NM_003560.4(PLA2G6):c.917G>A (p.Arg306Gln)

Gene: PLA2G6 (phospholipase A2 group VI; minus strand). Cytogenetic location: 22q13.1.
Variant type: single nucleotide variant.
Coding change: c.917G>A on transcript NM_003560.4 (MANE Select); coding-DNA position 917, G replaced by A.
Protein change: p.Arg306Gln; replaces arginine 306 with glutamine.
Molecular consequence: missense variant.
Genome position (GRCh38, 1-based): chr22:38,132,991, C>T on the plus strand (G>A on the coding strand, the complement: PLA2G6 is on the minus strand). VCF-style: chr22-38132991-C-T. GRCh37 (hg19) VCF-style: chr22-38528998-C-T.
Other names: c.917G>A, p.Arg306Gln (NM_001004426.3, NM_001199562.3, NM_001349864.2 and 2 more transcripts); c.383G>A, p.Arg128Gln (NM_001349867.2, NM_001349869.2); c.239G>A, p.Arg80Gln (NM_001349868.2); c.917G>A (NM_003560.2); short protein forms R128Q, R80Q, R306Q.
Identifiers: ClinVar variation 1955437 (VCV001955437.4), dbSNP rs374007706, ClinGen allele CA10231089.
Genomic context (GRCh38, chr22:38,132,991, plus strand): 5'-ATCACCGCCACGTGCAGGGCCGTGTTCCCCGCGGAGCTGGTGCTGTTCACGTTGCAGCCC[C>T]GTTTCAGCAGCATGCGGGCCATCTGCGGGAGACGGTCAGGCTGAGTTAGCACAGGCACTC-3'
Protein context (NP_003551.2, residues 296-316): NAEMARMLLK[Arg306Gln]GCNVNSTSSA